The following is an entry in ClinVar:

ClinVar aggregate classification (germline): Pathogenic. Review status: criteria provided, multiple submitters, no conflicts (2 of 4 stars). 3 submissions from 3 submitters: Pathogenic (3). Last evaluated 2026-07-23.

Conditions:
Oculocutaneous albinism type 1. Also called: Albinism 1; ALBINISM I. Identifiers: Orphanet 352731, MedGen C0268494, MONDO:0018135. Disease mechanism: loss of function.

Allele frequency attached by ClinVar (database versions not stated): gnomAD exomes below 0.00001; gnomAD 0.00001; TOPMed 0.00002.
gnomAD v4.1: 10 of 1,614,016 alleles (0.00062%); highest among the groups gnomAD compares: Admixed American, 0.0017%; no homozygotes.

Submissions (3):

Myriad Genetics, Inc.
Classification: Pathogenic for Oculocutaneous albinism type 1. Last evaluated: 2026-07-23. Review status: criteria provided, single submitter. Criteria: Myriad Autosomal Dominant, Autosomal Recessive and X-Linked Classification Criteria (2023). Collection method: clinical testing. Allele origin: unknown.
Comment: NM_000372.4(TYR):c.239G>A(W80*) is a nonsense variant classified as pathogenic in the context of oculocutaneous albinism, TYR-related. W80* has been observed in cases with relevant disease (PMID: 29345414, 10671067). Relevant functional assessments of this variant are not available in the literature. W80* has been observed in referenced population frequency databases. In summary, NM_000372.4(TYR):c.239G>A(W80*) is a nonsense variant in a gene where loss of function is a known mechanism of disease, is predicted to disrupt protein function, and has been observed more frequently in cases with the relevant disease than in healthy populations. Please note: this variant was assessed in the context of healthy population screening.

GeneDx
Classification: Pathogenic. Last evaluated: 2025-05-06. Review status: criteria provided, single submitter. Criteria: GeneDx Variant Classification Process June 2021. Collection method: clinical testing. Allele origin: germline. Affected: yes.
Comment: Nonsense variant predicted to result in protein truncation or nonsense mediated decay in a gene for which loss of function is a known mechanism of disease; Not observed at significant frequency in large population cohorts (gnomAD); This variant is associated with the following publications: (PMID: 29345414, 30472657, 28976636)

Labcorp Genetics (formerly Invitae), Labcorp
Classification: Pathogenic. Last evaluated: 2024-04-18. Review status: criteria provided, single submitter. Criteria: Invitae Variant Classification Sherloc (09022015). Collection method: clinical testing. Allele origin: germline.
Comment: This sequence change creates a premature translational stop signal (p.Trp80*) in the TYR gene. It is expected to result in an absent or disrupted protein product. Loss-of-function variants in TYR are known to be pathogenic (PMID: 23504663). This variant is present in population databases (no rsID available, gnomAD no frequency). This premature translational stop signal has been observed in individual(s) with albinism (PMID: 29345414). ClinVar contains an entry for this variant (Variation ID: 504389). For these reasons, this variant has been classified as Pathogenic.

Literature cited by the submitters: PubMed 10671067 (cited by Myriad Genetics, Inc.); PubMed 29345414 (cited by Myriad Genetics, Inc. and Labcorp Genetics (formerly Invitae), Labcorp); PubMed 23504663 (cited by Labcorp Genetics (formerly Invitae), Labcorp).

NM_000372.5(TYR):c.239G>A (p.Trp80Ter)

Gene: TYR (tyrosinase; plus strand). Cytogenetic location: 11q14.3.
Variant type: single nucleotide variant.
Coding change: c.239G>A on transcript NM_000372.5 (MANE Select); coding-DNA position 239, G replaced by A.
Protein change: p.Trp80Ter; replaces tryptophan 80 with a stop codon.
Molecular consequence: nonsense.
Genome position (GRCh38, 1-based): chr11:89,178,192, G>A. VCF-style: chr11-89178192-G-A. GRCh37 (hg19) VCF-style: chr11-88911360-G-A.
Other names: short protein forms W80*.
Identifiers: ClinVar variation 504389 (VCV000504389.7), dbSNP rs1183890194, ClinGen allele CA382033872.
Genomic context (GRCh38, chr11:89,178,192, plus strand): 5'-TGTCCAATGCACCACTTGGGCCTCAATTTCCCTTCACAGGGGTGGATGACCGGGAGTCGT[G>A]GCCTTCCGTCTTTTATAATAGGACCTGCCAGTGCTCTGGCAACTTCATGGGATTCAACTG-3'